The following is an entry in ClinVar:

ClinVar aggregate classification (germline): Likely benign. Review status: criteria provided, multiple submitters, no conflicts (2 of 4 stars). 2 submissions from 2 submitters: Likely benign (2). Last evaluated 2024-09-14.

Allele frequency attached by ClinVar (database versions not stated): ESP Exome Variant Server 0.00008; ExAC 0.00089; 1000 Genomes Project 30x 0.00156; 1000 Genomes Project 0.00160.
gnomAD v4.1: 816 of 1,613,570 alleles (0.051%); highest among the groups gnomAD compares: South Asian, 0.27%; 3 homozygotes.

Submissions (2):

Blueprint Genetics
Classification: Likely benign. Last evaluated: 2024-09-14. Review status: criteria provided, single submitter. Criteria: ACMG Guidelines, 2015. Collection method: clinical testing. Allele origin: germline.

CeGaT Center for Human Genetics Tuebingen
Classification: Likely benign. Last evaluated: 2023-05-01. Review status: criteria provided, single submitter. Criteria: CeGaT Center For Human Genetics Tuebingen Variant Classification Criteria Version 2. Collection method: clinical testing. Allele origin: germline. Affected: yes. Observed: 3 variant alleles.
Comment: KIRREL3: BP4, BP7

NM_032531.4(KIRREL3):c.1464C>T (p.Ile488=)

Gene: KIRREL3 (kirre like nephrin family adhesion molecule 3; minus strand). Cytogenetic location: 11q24.2.
Variant type: single nucleotide variant.
Coding change: c.1464C>T on transcript NM_032531.4 (MANE Select); coding-DNA position 1464, C replaced by T.
Protein change: p.Ile488=; no amino-acid change (isoleucine 488 retained).
Molecular consequence: synonymous variant.
Genome position (GRCh38, 1-based): chr11:126,436,899, G>A on the plus strand (C>T on the coding strand, the complement: KIRREL3 is on the minus strand). VCF-style: chr11-126436899-G-A. GRCh37 (hg19) VCF-style: chr11-126306794-G-A.
Other names: c.1464C>T, p.Ile488= (NM_001161707.2, NM_001301097.2).
Identifiers: ClinVar variation 2642535 (VCV002642535.25), dbSNP rs367818668, ClinGen allele CA6355878.